The following is an entry in ClinVar:

ClinVar aggregate classification (germline): Uncertain significance. Review status: criteria provided, multiple submitters, no conflicts (2 of 4 stars). 2 submissions from 2 submitters: Uncertain significance (2). Last evaluated 2025-10-21.

Allele frequency attached by ClinVar (database versions not stated): gnomAD exomes 0.00002 and 0.00005; ExAC 0.00003; TOPMed 0.00003; gnomAD 0.00007; ESP Exome Variant Server 0.00015.

Submissions (2):

Ambry Genetics
Classification: Uncertain significance. Last evaluated: 2025-10-21. Review status: criteria provided, single submitter. Criteria: Ambry Variant Classification Scheme 2023. Collection method: clinical testing. Allele origin: germline.

Labcorp Genetics (formerly Invitae), Labcorp
Classification: Uncertain significance. Last evaluated: 2025-08-11. Review status: criteria provided, single submitter. Criteria: Invitae Variant Classification Sherloc (09022015). Collection method: clinical testing. Allele origin: germline.
Comment: This sequence change replaces glutamic acid, which is acidic and polar, with glycine, which is neutral and non-polar, at codon 275 of the MAPKAPK3 protein (p.Glu275Gly). This variant is present in population databases (rs377010404, gnomAD 0.004%). This variant has not been reported in the literature in individuals affected with MAPKAPK3-related conditions. ClinVar contains an entry for this variant (Variation ID: 1177492). An algorithm developed to predict the effect of missense changes on protein structure and function (PolyPhen-2) suggests that this variant is likely to be tolerated. In summary, the available evidence is currently insufficient to determine the role of this variant in disease. Therefore, it has been classified as a Variant of Uncertain Significance.

NM_001243925.2(MAPKAPK3):c.824A>G (p.Glu275Gly)

Gene: MAPKAPK3 (MAPK activated protein kinase 3; plus strand). Cytogenetic location: 3p21.2.
Variant type: single nucleotide variant.
Coding change: c.824A>G on transcript NM_001243925.2 (MANE Select); coding-DNA position 824, A replaced by G.
Protein change: p.Glu275Gly; replaces glutamic acid 275 with glycine.
Molecular consequence: missense variant.
Genome position (GRCh38, 1-based): chr3:50,646,259, A>G. VCF-style: chr3-50646259-A-G. GRCh37 (hg19) VCF-style: chr3-50683690-A-G.
Other names: c.824A>G, p.Glu275Gly (NM_001243926.2, NM_004635.5); c.824A>G (NM_004635.4); short protein forms E275G.
Identifiers: ClinVar variation 1177492 (VCV001177492.11), dbSNP rs377010404, ClinGen allele CA2420371.